The following is an entry in ClinVar:

NM_001254.4(CDC6):c.1226C>T (p.Thr409Ile)

Gene: CDC6 (cell division cycle 6; plus strand). Cytogenetic location: 17q21.2.
Variant type: single nucleotide variant.
Coding change: c.1226C>T on transcript NM_001254.4 (MANE Select); coding-DNA position 1226, C replaced by T.
Protein change: p.Thr409Ile; replaces threonine 409 with isoleucine.
Molecular consequence: missense variant.
Genome position (GRCh38, 1-based): chr17:40,296,744, C>T. VCF-style: chr17-40296744-C-T. GRCh37 (hg19) VCF-style: chr17-38452996-C-T.
Other names: short protein forms T409I.
Identifiers: ClinVar variation 1713665 (VCV001713665.5), dbSNP rs779231529, ClinGen allele CA399333366.

ClinVar aggregate classification (germline): Uncertain significance (1 of 4 stars; one submission).

Submission:

Labcorp Genetics (formerly Invitae), Labcorp
Classification: Uncertain significance. Last evaluated: 2022-07-27. Review status: criteria provided, single submitter. Criteria: Invitae Variant Classification Sherloc (09022015). Collection method: clinical testing. Allele origin: germline.
Comment: Algorithms developed to predict the effect of missense changes on protein structure and function are either unavailable or do not agree on the potential impact of this missense change (SIFT: "Tolerated"; PolyPhen-2: "Possibly Damaging"; Align-GVGD: "Class C0"). This variant has not been reported in the literature in individuals affected with CDC6-related conditions. This variant is not present in population databases (gnomAD no frequency). This sequence change replaces threonine, which is neutral and polar, with isoleucine, which is neutral and non-polar, at codon 409 of the CDC6 protein (p.Thr409Ile). In summary, the available evidence is currently insufficient to determine the role of this variant in disease. Therefore, it has been classified as a Variant of Uncertain Significance.